The following is an entry in ClinVar:

ClinVar aggregate classification (germline): Uncertain significance. Review status: criteria provided, multiple submitters, no conflicts (2 of 4 stars). 3 submissions from 3 submitters: Uncertain significance (3). Last evaluated 2025-09-22.

Conditions:
PCNT-related disorder. Also called: PCNT-related condition.
Inborn genetic diseases. Identifiers: MedGen C0950123, MeSH D030342.

Allele frequency attached by ClinVar (database versions not stated): gnomAD exomes 0.00002 and 0.00005; TOPMed 0.00004; ExAC 0.00005.
gnomAD v4.1: 27 of 1,555,122 alleles (0.0017%); highest among the groups gnomAD compares: Admixed American, 0.0078%; no homozygotes.

Submissions (3):

PreventionGenetics, part of Exact Sciences
Classification: Uncertain significance for PCNT-related condition. Last evaluated: 2025-09-22. Review status: criteria provided, single submitter. Criteria: ACMG Guidelines, 2015. Collection method: clinical testing. Allele origin: germline.
Comment: The PCNT c.7951G>A variant is predicted to result in the amino acid substitution p.Ala2651Thr. To our knowledge, this variant has not been reported in the literature. This variant is reported in 0.016% of alleles in individuals of Latino descent in gnomAD. At this time, the clinical significance of this variant is uncertain due to the absence of conclusive functional and genetic evidence.

Ambry Genetics
Classification: Uncertain significance for Inborn genetic diseases. Last evaluated: 2025-08-21. Review status: criteria provided, single submitter. Criteria: Ambry Variant Classification Scheme 2023. Collection method: clinical testing. Allele origin: germline.

Labcorp Genetics (formerly Invitae), Labcorp
Classification: Uncertain significance. Last evaluated: 2024-12-02. Review status: criteria provided, single submitter. Criteria: Invitae Variant Classification Sherloc (09022015). Collection method: clinical testing. Allele origin: germline.
Comment: This sequence change replaces alanine, which is neutral and non-polar, with threonine, which is neutral and polar, at codon 2651 of the PCNT protein (p.Ala2651Thr). The frequency data for this variant in the population databases is considered unreliable, as metrics indicate poor data quality at this position in the gnomAD database. This variant has not been reported in the literature in individuals affected with PCNT-related conditions. ClinVar contains an entry for this variant (Variation ID: 1515722). An algorithm developed to predict the effect of missense changes on protein structure and function outputs the following: PolyPhen-2: "Benign". The threonine amino acid residue is found in multiple mammalian species, which suggests that this missense change does not adversely affect protein function. In summary, the available evidence is currently insufficient to determine the role of this variant in disease. Therefore, it has been classified as a Variant of Uncertain Significance.

NM_006031.6(PCNT):c.7951G>A (p.Ala2651Thr)

Gene: PCNT (pericentrin; plus strand). Cytogenetic location: 21q22.3.
Variant type: single nucleotide variant.
Coding change: c.7951G>A on transcript NM_006031.6 (MANE Select); coding-DNA position 7951, G replaced by A.
Protein change: p.Ala2651Thr; replaces alanine 2651 with threonine.
Molecular consequence: missense variant.
Genome position (GRCh38, 1-based): chr21:46,430,544, G>A. VCF-style: chr21-46430544-G-A. GRCh37 (hg19) VCF-style: chr21-47850458-G-A.
Other names: c.7951G>A (NM_006031.5); c.7597G>A, p.Ala2533Thr (NM_001315529.2); short protein forms A2651T, A2533T.
Identifiers: ClinVar variation 1515722 (VCV001515722.7), dbSNP rs760162051, ClinGen allele CA10080844.